The following is an entry in ClinVar:

NM_001165963.4(SCN1A):c.4550A>G (p.Lys1517Arg)

Genes: SCN1A (sodium voltage-gated channel alpha subunit 1; minus strand), LOC102724058 (uncharacterized LOC102724058; plus strand). Cytogenetic location: 2q24.3.
Variant type: single nucleotide variant.
Coding change: c.4550A>G on transcript NM_001165963.4 (MANE Select); coding-DNA position 4550, A replaced by G.
Protein change: p.Lys1517Arg; replaces lysine 1517 with arginine.
Molecular consequence: missense variant. On other transcripts: non-coding transcript variant (1).
Genome position (GRCh38, 1-based): chr2:165,996,044, T>C on the plus strand (A>G on the coding strand, the complement: SCN1A is on the minus strand). VCF-style: chr2-165996044-T-C. GRCh37 (hg19) VCF-style: chr2-166852554-T-C.
Other names: c.4550A>G (NM_001202435.1); c.4466A>G, p.Lys1489Arg (NM_001165964.3, NM_001353957.2, NM_001353958.2); c.4550A>G, p.Lys1517Arg (NM_001202435.3, NM_001353948.2); c.4517A>G, p.Lys1506Arg (NM_001353949.2, NM_001353950.2, NM_001353951.2 and 2 more transcripts); c.4514A>G, p.Lys1505Arg (NM_001353954.2, NM_001353955.2); c.4463A>G, p.Lys1488Arg (NM_001353960.2); c.2108A>G, p.Lys703Arg (NM_001353961.2); short protein forms K1488R, K1489R, K1505R, K1506R, K1517R, K703R.
Identifiers: ClinVar variation 1187175 (VCV001187175.15), dbSNP rs2105461833, ClinGen allele CA349048607.

ClinVar aggregate classification (germline): Uncertain significance. Review status: criteria provided, multiple submitters, no conflicts (2 of 4 stars). 4 submissions from 4 submitters: Uncertain significance (4). Last evaluated 2023-05-26.

Conditions:
SCN1A-related disorder. Also called: SCN1A-related disorders; SCN1A-related conditions; SCN1A-related condition.
Early-infantile DEE. Also called: Early infantile epileptic encephalopathy with suppression bursts; Early infantile epileptic encephalopathy; Ohtahara syndrome. Identifiers: Orphanet 1934, MedGen C0393706, MONDO:0800491.
Inborn genetic diseases. Identifiers: MedGen C0950123, MeSH D030342.

Allele frequency attached by ClinVar (database versions not stated): gnomAD exomes below 0.00001.
gnomAD v4.1: 2 of 1,609,686 alleles (0.00012%); highest among the groups gnomAD compares: Non-Finnish European, 0.000085%; no homozygotes.

Submissions (4):

GeneDx
Classification: Uncertain significance. Last evaluated: 2023-05-26. Review status: criteria provided, single submitter. Criteria: GeneDx Variant Classification Process June 2021. Collection method: clinical testing. Allele origin: germline. Affected: yes.
Comment: Not observed in large population cohorts (gnomAD); The majority of missense variants in this gene are considered pathogenic (HGMD); In silico analysis, which includes protein predictors and evolutionary conservation, supports a deleterious effect; Has not been previously published as pathogenic or benign to our knowledge; This substitution is predicted to be in the cytoplasmic loop between the third and fourth homologous domain.

PreventionGenetics, part of Exact Sciences
Classification: Uncertain significance for SCN1A-related condition. Last evaluated: 2023-01-24. Review status: criteria provided, single submitter. Criteria: ACMG Guidelines, 2015. Collection method: clinical testing. Allele origin: germline.
Comment: The SCN1A c.4550A>G variant is predicted to result in the amino acid substitution p.Lys1517Arg. To our knowledge, this variant has not been reported in the literature or in a large population database, indicating this variant is rare. At this time, the clinical significance of this variant is uncertain due to the absence of conclusive functional and genetic evidence.

Labcorp Genetics (formerly Invitae), Labcorp
Classification: Uncertain significance for Early-infantile DEE. Last evaluated: 2022-08-23. Review status: criteria provided, single submitter. Criteria: Invitae Variant Classification Sherloc (09022015). Collection method: clinical testing. Allele origin: germline.
Comment: This variant is not present in population databases (gnomAD no frequency). In summary, the available evidence is currently insufficient to determine the role of this variant in disease. Therefore, it has been classified as a Variant of Uncertain Significance. Advanced modeling of protein sequence and biophysical properties (such as structural, functional, and spatial information, amino acid conservation, physicochemical variation, residue mobility, and thermodynamic stability) performed at Invitae indicates that this missense variant is expected to disrupt SCN1A protein function. ClinVar contains an entry for this variant (Variation ID: 1187175). This variant has not been reported in the literature in individuals affected with SCN1A-related conditions. This sequence change replaces lysine, which is basic and polar, with arginine, which is basic and polar, at codon 1517 of the SCN1A protein (p.Lys1517Arg).

Ambry Genetics
Classification: Uncertain significance for Inborn genetic diseases. Last evaluated: 2020-07-15. Review status: criteria provided, single submitter. Criteria: Ambry Variant Classification Scheme 2023. Collection method: clinical testing. Allele origin: germline.
Comment: The p.K1517R variant (also known as c.4550A>G), located in coding exon 24 of the SCN1A gene, results from an A to G substitution at nucleotide position 4550. The lysine at codon 1517 is replaced by arginine, an amino acid with highly similar properties. This amino acid position is highly conserved in available vertebrate species. In addition, this alteration is predicted to be deleterious by in silico analysis. Since supporting evidence is limited at this time, the clinical significance of this alteration remains unclear.